The following is an entry in ClinVar:

ClinVar aggregate classification (germline): Likely benign. Review status: criteria provided, multiple submitters, no conflicts (2 of 4 stars). 5 submissions from 5 submitters: Likely benign (3). 2 of the submissions do not count toward it. Last evaluated 2025-04-09.

Conditions:
DMD-related disorder. Also called: DMD-related condition.
Duchenne muscular dystrophy (DMD). Also called: MUSCULAR DYSTROPHY, PSEUDOHYPERTROPHIC PROGRESSIVE, DUCHENNE TYPE; Duchenne Muscular Dystrophy (DMD). Identifiers: Orphanet 98896, MedGen C0013264, MONDO:0010679, OMIM 310200.
Becker muscular dystrophy (BMD). Also called: MUSCULAR DYSTROPHY, PSEUDOHYPERTROPHIC PROGRESSIVE, BECKER TYPE; Becker Muscular Dystrophy (BMD). Identifiers: Orphanet 98895, MedGen C0917713, MONDO:0010311, OMIM 300376.
Cardiomyopathy (CMYO). Also called: Cardiomyopathies. Identifiers: Orphanet 167848, MedGen C0878544, MONDO:0004994, HP:0001638. Inheritance: Various modes of inheritance.
Dystrophin deficiency.

Allele frequency attached by ClinVar (database versions not stated): gnomAD 0.00001 and 0.00002; gnomAD exomes 0.00001; TOPMed 0.00005.
gnomAD v4.1: 12 of 1,203,127 alleles (0.001%); highest among the groups gnomAD compares: Admixed American, 0.0022%; no homozygotes.

Submissions (5):

Molecular Diagnostic Laboratory for Inherited Cardiovascular Disease, Montreal Heart Institute
Classification: Likely benign. Last evaluated: 2025-04-09. Review status: criteria provided, single submitter. Criteria: ACMG Guidelines, 2015. Collection method: clinical testing. Allele origin: germline. Affected: no.

Blueprint Genetics
Classification: Likely benign. Last evaluated: 2024-10-08. Review status: criteria provided, single submitter. Criteria: ACMG Guidelines, 2015. Collection method: clinical testing. Allele origin: germline.

GeneDx
Classification: Likely benign. Last evaluated: 2016-06-17. Review status: criteria provided, single submitter. Criteria: GeneDx Variant Classification (06012015). Collection method: clinical testing. Allele origin: germline. Affected: yes.
Comment: This variant is considered likely benign or benign based on one or more of the following criteria: it is a conservative change, it occurs at a poorly conserved position in the protein, it is predicted to be benign by multiple in silico algorithms, and/or has population frequency not consistent with disease.

PreventionGenetics, part of Exact Sciences
Classification: Likely benign for DMD-related condition. Last evaluated: 2019-05-31. Review status: no assertion criteria provided. Collection method: clinical testing. Allele origin: germline. Not counted in ClinVar's aggregate classification.
Comment: This variant is classified as likely benign based on ACMG/AMP sequence variant interpretation guidelines (Richards et al. 2015 PMID: 25741868, with internal and published modifications).

Natera, Inc.
Classification: Likely benign for Becker muscular dystrophy; Cardiomyopathy; Duchenne muscular dystrophy; Dystrophin deficiency. Last evaluated: 2019-02-04. Review status: no assertion criteria provided. Collection method: clinical testing. Allele origin: germline. Not counted in ClinVar's aggregate classification.

NM_004006.3(DMD):c.*59C>A

Gene: DMD (dystrophin; minus strand). Cytogenetic location: Xp21.2.
Variant type: single nucleotide variant.
Coding change: c.*59C>A on transcript NM_004006.3 (MANE Select); 59 bases downstream of the stop codon, C replaced by A.
Molecular consequence: 3 prime UTR variant. On other transcripts: synonymous variant (5).
Genome position (GRCh38, 1-based): chrX:31,121,860, G>T on the plus strand (C>A on the coding strand, the complement: DMD is on the minus strand). VCF-style: chrX-31121860-G-T. GRCh37 (hg19) VCF-style: chrX-31139977-G-T.
Other names: c.*59C>A (NM_000109.4, NM_004009.3, NM_004010.3 and 7 more transcripts); c.1881C>A, p.Val627= (NM_004016.3); c.1842C>A, p.Val614= (NM_004018.3); c.3705C>A, p.Val1235= (NM_004021.3); c.3666C>A, p.Val1222= (NM_004022.3); c.3375C>A, p.Val1125= (NM_004023.3); c.1881C>A (NM_004016.2); c.3705C>A (NM_004021.2).
Identifiers: ClinVar variation 379121 (VCV000379121.6), dbSNP rs1057520501, ClinGen allele CA16608421.
Genomic context (GRCh38, chrX:31,121,860, plus strand): 5'-AAAACCATGCGGGAATCAGGAGTTGTAAAACATTTATTCTGCTCCTTCTTCATCTGTCAT[G>T]ACTGATACTAAGGACTCCATCGCTCTGCCCAAATCATCTGCCATGTGGAAAAGACTTCCT-3'